The following is an entry in ClinVar:

ClinVar aggregate classification (germline): Pathogenic/Likely pathogenic. Review status: criteria provided, multiple submitters, no conflicts (2 of 4 stars). 2 submissions from 2 submitters: Pathogenic (1); Likely pathogenic (1). Last evaluated 2026-03-13.

Allele frequency attached by ClinVar (database versions not stated): TOPMed below 0.00001.
gnomAD v4.1: 2 of 1,613,868 alleles (0.00012%); highest among the groups gnomAD compares: Non-Finnish European, 0.00017%; no homozygotes.

Submissions (2):

GeneDx
Classification: Likely pathogenic. Last evaluated: 2026-03-13. Review status: criteria provided, single submitter. Criteria: GeneDx Variant Classification Process June 2021. Collection method: clinical testing. Allele origin: germline.
Comment: Canonical splice site variant predicted to result in a null allele in a gene for which loss of function is a known mechanism of disease; Not observed at significant frequency in large population cohorts (gnomAD); Has not been previously published as pathogenic or benign to our knowledge; This variant is associated with the following publications: (PMID: 17617515, 11536079, 16086317, 30229859)

Labcorp Genetics (formerly Invitae), Labcorp
Classification: Pathogenic. Last evaluated: 2025-04-29. Review status: criteria provided, single submitter. Criteria: Invitae Variant Classification Sherloc (09022015). Collection method: clinical testing. Allele origin: germline.
Comment: This sequence change affects an acceptor splice site in intron 24 of the ABCC6 gene. It is expected to disrupt RNA splicing. Variants that disrupt the donor or acceptor splice site typically lead to a loss of protein function (PMID: 16199547), and loss-of-function variants in ABCC6 are known to be pathogenic (PMID: 11536079, 17617515). This variant is present in population databases (no rsID available, gnomAD 0.002%). Disruption of this splice site has been observed in individuals with pseudoxanthoma elasticum (PMID: 16086317, 30229859). ClinVar contains an entry for this variant (Variation ID: 2778937). Algorithms developed to predict the effect of sequence changes on RNA splicing suggest that this variant may disrupt the consensus splice site. For these reasons, this variant has been classified as Pathogenic.

Literature cited by the submitters: PubMed 16199547 (cited by Labcorp Genetics (formerly Invitae), Labcorp); PubMed 11536079 (cited by Labcorp Genetics (formerly Invitae), Labcorp); PubMed 17617515 (cited by Labcorp Genetics (formerly Invitae), Labcorp); PubMed 16086317 (cited by Labcorp Genetics (formerly Invitae), Labcorp); PubMed 30229859 (cited by Labcorp Genetics (formerly Invitae), Labcorp).

NM_001171.6(ABCC6):c.3507-2A>G

Gene: ABCC6 (ATP binding cassette subfamily C member 6; minus strand). Cytogenetic location: 16p13.11.
Variant type: single nucleotide variant.
Coding change: c.3507-2A>G on transcript NM_001171.6 (MANE Select); the canonical splice acceptor site of the intron before coding-DNA position 3507, A replaced by G.
Molecular consequence: splice acceptor variant.
Genome position (GRCh38, 1-based): chr16:16,161,566, T>C on the plus strand (A>G on the coding strand, the complement: ABCC6 is on the minus strand). VCF-style: chr16-16161566-T-C. GRCh37 (hg19) VCF-style: chr16-16255423-T-C.
Other names: c.3165-2A>G (NM_001351800.1).
Identifiers: ClinVar variation 2778937 (VCV002778937.4), dbSNP rs1423674851, ClinGen allele CA394880234.